The following is an entry in ClinVar:

NM_005334.3(HCFC1):c.6068T>C (p.Met2023Thr)

Gene: HCFC1 (host cell factor C1; minus strand). Cytogenetic location: Xq28.
Variant type: single nucleotide variant.
Coding change: c.6068T>C on transcript NM_005334.3 (MANE Select); coding-DNA position 6068, T replaced by C.
Protein change: p.Met2023Thr; replaces methionine 2023 with threonine.
Molecular consequence: missense variant.
Genome position (GRCh38, 1-based): chrX:153,949,553, A>G on the plus strand (T>C on the coding strand, the complement: HCFC1 is on the minus strand). VCF-style: chrX-153949553-A-G. GRCh37 (hg19) VCF-style: chrX-153215004-A-G.
Other names: c.6203T>C, p.Met2068Thr (NM_001410705.1); short protein forms M2023T, M2068T.
Identifiers: ClinVar variation 2573711 (VCV002573711.2), dbSNP rs2521430169, ClinGen allele CA415101855.

ClinVar aggregate classification (germline): Uncertain significance (1 of 4 stars; one submission).

Allele frequency attached by ClinVar (database versions not stated): gnomAD exomes below 0.00001.

Submission:

GeneDx
Classification: Uncertain significance. Last evaluated: 2025-08-30. Review status: criteria provided, single submitter. Criteria: GeneDx Variant Classification Process June 2021. Collection method: clinical testing. Allele origin: germline.
Comment: Has not been previously published as pathogenic or benign to our knowledge; Not observed at significant frequency in large population cohorts (gnomAD); In silico analysis suggests that this missense variant does not alter protein structure/function